The following is an entry in ClinVar:

NM_020706.2(SCAF4):c.1465_1466del (p.Glu489fs)

Gene: SCAF4 (SR-related CTD associated factor 4; minus strand). Cytogenetic location: 21q22.11.
Variant type: Microsatellite.
Coding change: c.1465_1466del on transcript NM_020706.2 (MANE Select); coding-DNA positions 1465 to 1466, 2 bases deleted (GA; older notation c.1465_1466delGA).
Protein change: p.Glu489fs; shifts the reading frame from glutamic acid 489.
Molecular consequence: frameshift variant.
Genome position (GRCh38, 1-based): chr21:31,693,341-31,693,342, TC deleted on the plus strand (GA on the coding strand, the reverse complement: SCAF4 is on the minus strand); deleting any 2 consecutive bases within chr21:31,693,341-31,693,349 gives the same sequence; the c. name uses the placement nearest the transcript's 3' end. VCF-style (leftmost placement, unchanged base first): chr21-31693340-TTC-T. GRCh37 (hg19) VCF-style: chr21-33065653-TTC-T.
Other names: c.1420_1421del, p.Glu474fs (NM_001145444.1); c.1465_1466del, p.Glu489fs (NM_001145445.1); c.1465_1466delGA (NM_020706.2); short protein forms E474fs, E489fs.
Identifiers: ClinVar variation 2632229 (VCV002632229.2), dbSNP rs770737101, ClinGen allele CA9999562.

ClinVar aggregate classification (germline): Pathogenic/Likely pathogenic. Review status: criteria provided, multiple submitters, no conflicts (2 of 4 stars). 2 submissions from 2 submitters: Pathogenic (1); Likely pathogenic (1). Last evaluated 2025-07-16.

Conditions:
SCAF4-related disorder. Also called: SCAF4-related condition.
Fliedner-Zweier syndrome (FZS). Identifiers: MedGen C5882693, MONDO:0957787, OMIM 620511.

Submissions (2):

3billion
Classification: Pathogenic for Fliedner-Zweier syndrome. Last evaluated: 2025-07-16. Review status: criteria provided, single submitter. Criteria: ACMG Guidelines, 2015. Collection method: clinical testing. Allele origin: germline. Affected: yes.
Comment: The variant is not observed in the gnomAD v4.1.0 dataset. Predicted Consequence/Location: Frameshift: predicted to result in a loss or disruption of normal protein function through nonsense-mediated decay (NMD) or protein truncation. Multiple pathogenic variants are reported downstream of the variant. The variant has been reported to be associated with SCAF4-related disorder (ClinVar ID: VCV002632229). Therefore, this variant is classified as Pathogenic according to the recommendation of ACMG/AMP guideline.

PreventionGenetics, part of Exact Sciences
Classification: Likely pathogenic for SCAF4-related condition. Last evaluated: 2023-06-12. Review status: criteria provided, single submitter. Criteria: ACMG Guidelines, 2015. Collection method: clinical testing. Allele origin: germline.
Comment: The SCAF4 c.1465_1466delGA variant is predicted to result in a frameshift and premature protein termination (p.Glu489Thrfs*46). To our knowledge, this variant has not been reported in the literature or in a large population database, indicating this variant is rare. Frameshift variants in SCAF4 are expected to be pathogenic. This variant is interpreted as likely pathogenic.